The following is an entry in ClinVar:

ClinVar aggregate classification (germline): Uncertain significance (1 of 4 stars; one submission).

Submission:

GeneDx
Classification: Uncertain significance. Last evaluated: 2024-03-11. Review status: criteria provided, single submitter. Criteria: GeneDx Variant Classification Process June 2021. Collection method: clinical testing. Allele origin: germline. Affected: yes.
Comment: Not observed at significant frequency in large population cohorts (gnomAD); In silico analysis supports that this missense variant does not alter protein structure/function; Has not been previously published as pathogenic or benign to our knowledge

NM_006912.6(RIT1):c.220T>A (p.Leu74Met)

Gene: RIT1 (Ras like without CAAX 1; minus strand). Cytogenetic location: 1q22.
Variant type: single nucleotide variant.
Coding change: c.220T>A on transcript NM_006912.6 (MANE Select); coding-DNA position 220, T replaced by A.
Protein change: p.Leu74Met; replaces leucine 74 with methionine.
Molecular consequence: missense variant.
Genome position (GRCh38, 1-based): chr1:155,904,748, A>T on the plus strand (T>A on the coding strand, the complement: RIT1 is on the minus strand). VCF-style: chr1-155904748-A-T. GRCh37 (hg19) VCF-style: chr1-155874539-A-T.
Other names: c.112T>A, p.Leu38Met (NM_001256820.2); c.271T>A, p.Leu91Met (NM_001256821.2); short protein forms L38M, L74M, L91M.
Identifiers: ClinVar variation 3373656 (VCV003373656.1).
Genomic context (GRCh38, chr1:155,904,748, plus strand): 5'-AGAGTAAAAAAGCCTTTACTCATAACATTCTGGGATTTAATACCTGTCCAGCTGTATCCA[A>T]AATGTCCAGATTGGCAGGCTCATCATCAATACGGATCCTGATCTTATAAGCATCTTCTAC-3'
Protein context (NP_008843.1, residues 64-84): IDDEPANLDI[Leu74Met]DTAGQAEFTA